The following is an entry in ClinVar:

ClinVar aggregate classification (germline): Uncertain significance (1 of 4 stars; one submission).

Submission:

CeGaT Center for Human Genetics Tuebingen
Classification: Uncertain significance. Last evaluated: 2023-07-01. Review status: criteria provided, single submitter. Criteria: CeGaT Center For Human Genetics Tuebingen Variant Classification Criteria Version 2. Collection method: clinical testing. Allele origin: germline. Affected: yes. Observed: 1 variant allele.
Comment: CNNM4: PM2

NM_020184.4(CNNM4):c.671A>G (p.Lys224Arg)

Gene: CNNM4 (cyclin and CBS domain divalent metal cation transport mediator 4; plus strand). Cytogenetic location: 2q11.2.
Variant type: single nucleotide variant.
Coding change: c.671A>G on transcript NM_020184.4 (MANE Select); coding-DNA position 671, A replaced by G.
Protein change: p.Lys224Arg; replaces lysine 224 with arginine.
Molecular consequence: missense variant.
Genome position (GRCh38, 1-based): chr2:96,761,670, A>G. VCF-style: chr2-96761670-A-G. GRCh37 (hg19) VCF-style: chr2-97427407-A-G.
Other names: short protein forms K224R.
Identifiers: ClinVar variation 2578864 (VCV002578864.25), dbSNP rs2469453935, ClinGen allele CA347714680.